The following is an entry in ClinVar:

NM_004944.4(DNASE1L3):c.307G>C (p.Ala103Pro)

Gene: DNASE1L3 (deoxyribonuclease 1L3; minus strand). Cytogenetic location: 3p14.3.
Variant type: single nucleotide variant.
Coding change: c.307G>C on transcript NM_004944.4 (MANE Select); coding-DNA position 307, G replaced by C.
Protein change: p.Ala103Pro; replaces alanine 103 with proline.
Molecular consequence: missense variant. On other transcripts: intron variant (1).
Genome position (GRCh38, 1-based): chr3:58,205,484, C>G on the plus strand (G>C on the coding strand, the complement: DNASE1L3 is on the minus strand). VCF-style: chr3-58205484-C-G. GRCh37 (hg19) VCF-style: chr3-58191211-C-G.
Other names: c.231-603G>C (NM_001256560.2); short protein forms A103P.
Identifiers: ClinVar variation 1705485 (VCV001705485.1), dbSNP rs2471314355, ClinGen allele CA353340364.

ClinVar aggregate classification (germline): Uncertain significance (1 of 4 stars; one submission).

Conditions:
Autosomal systemic lupus erythematosus type 16. Also called: Systemic lupus erythematosus 16. Identifiers: Orphanet 300345, MedGen C3280742, MONDO:0013743, OMIM 614420.

gnomAD v4.1: 1 of 1,613,736 alleles (0.000062%); no homozygotes.

Submission:

3billion
Classification: Uncertain significance for Autosomal systemic lupus erythematosus type 16. Last evaluated: 2022-09-01. Review status: criteria provided, single submitter. Criteria: ACMG Guidelines, 2015. Collection method: clinical testing. Allele origin: germline. Affected: yes. Observed: 1 homozygote.
Comment: The variant is not observed in the gnomAD v2.1.1 dataset. While this variant results in missense change, protein truncation variants are a common disease-causing mechanism. Therefore, this variant is classified as uncertain significance according to the recommendation of ACMG/AMP guideline.